The following is an entry in ClinVar:

ClinVar aggregate classification (germline): Uncertain significance (1 of 4 stars; one submission).

Submission:

Labcorp Genetics (formerly Invitae), Labcorp
Classification: Uncertain significance. Last evaluated: 2024-04-15. Review status: criteria provided, single submitter. Criteria: Invitae Variant Classification Sherloc (09022015). Collection method: clinical testing. Allele origin: germline.
Comment: This sequence change falls in intron 20 of the POLE gene. It does not directly change the encoded amino acid sequence of the POLE protein. RNA analysis indicates that this variant induces altered splicing and may result in an absent or disrupted protein product. This variant is not present in population databases (gnomAD no frequency). This variant has not been reported in the literature in individuals affected with POLE-related conditions. Studies have shown that this variant results in activation of a cryptic splice site and introduces a premature termination codon (Invitae). The resulting mRNA is expected to undergo nonsense-mediated decay. In summary, the available evidence is currently insufficient to determine the role of this variant in disease. Therefore, it has been classified as a Variant of Uncertain Significance.

NM_006231.4(POLE):c.2320-12T>G

Gene: POLE (DNA polymerase epsilon, catalytic subunit; minus strand). Cytogenetic location: 12q24.33.
Variant type: single nucleotide variant.
Coding change: c.2320-12T>G on transcript NM_006231.4 (MANE Select); 12 bases into the intron before coding-DNA position 2320, T replaced by G.
Molecular consequence: intron variant.
Genome position (GRCh38, 1-based): chr12:132,665,462, A>C on the plus strand (T>G on the coding strand, the complement: POLE is on the minus strand). VCF-style: chr12-132665462-A-C. GRCh37 (hg19) VCF-style: chr12-133242048-A-C.
Identifiers: ClinVar variation 3649054 (VCV003649054.2).
Genomic context (GRCh38, chr12:132,665,462, plus strand): 5'-CAGCCGCGTCGCCCACCTCCACGGCCGCCGAGAGCTTCTTTTTCCACACCTGAGAAGCAC[A>C]TGAACATGGAGCACCTCACAGATTCTTCCATTTCACATTCTACAAAGTCAATAGCCCAGG-3'